The following is an entry in ClinVar:

ClinVar aggregate classification (germline): Uncertain significance. Review status: criteria provided, multiple submitters, no conflicts (2 of 4 stars). 2 submissions from 2 submitters: Uncertain significance (2). Last evaluated 2024-07-20.

Conditions:
Inborn genetic diseases. Identifiers: MedGen C0950123, MeSH D030342.
Malignant hyperthermia, susceptibility to, 1 (MHS1). Also called: Anesthesia related hyperthermia; Malignant hyperpyrexia; Fulminating hyperpyrexia; Pharmacogenic myopathy; RYR1-Related Malignant Hyperthermia Susceptibility; Malignant hyperthermia suceptibility 1. Identifiers: Orphanet 423, MedGen C2930980, MONDO:0007783, OMIM 145600.

gnomAD v4.1: 3 of 1,614,052 alleles (0.00019%); highest among the groups gnomAD compares: Admixed American, 0.0033%; no homozygotes.

Submissions (2):

All of Us Research Program, National Institutes of Health
Classification: Uncertain significance for Malignant hyperthermia, susceptibility to, 1. Last evaluated: 2024-07-20. Review status: criteria provided, single submitter. Criteria: ACMG Guidelines, 2015. Collection method: clinical testing. Allele origin: germline. Inheritance: Autosomal dominant inheritance. Observed: 1 variant allele, 1 heterozygote.
Comment: This missense variant replaces threonine with alanine at codon 497 of the RYR1 protein. Computational prediction suggests that this variant may not impact protein structure and function (internally defined REVEL score threshold <= 0.5, PMID: 27666373). To our knowledge, functional studies have not been reported for this variant. This variant has not been reported in individuals affected with RYR1-related disorders in the literature. This variant has been identified in 2/251496 chromosomes in the general population by the Genome Aggregation Database (gnomAD). The available evidence is insufficient to determine the role of this variant in disease conclusively. Therefore, this variant is classified as a Variant of Uncertain Significance.

This study involves interpretation of variants in research participants for the purpose of population health screening. Participant phenotype was not available at the time of variant classification. Additional details can be found in publication PMID: 35346344, PMCID: PMC8962531

Ambry Genetics
Classification: Uncertain significance for Inborn genetic diseases. Last evaluated: 2024-01-09. Review status: criteria provided, single submitter. Criteria: Ambry Variant Classification Scheme 2023. Collection method: clinical testing. Allele origin: germline.

NM_000540.3(RYR1):c.1489A>G (p.Thr497Ala)

Genes: RYR1 (ryanodine receptor 1; plus strand), LOC129391106 (MPRA-validated peak3472 silencer; plus strand). Cytogenetic location: 19q13.2.
Variant type: single nucleotide variant.
Coding change: c.1489A>G on transcript NM_000540.3 (MANE Select); coding-DNA position 1489, A replaced by G.
Protein change: p.Thr497Ala; replaces threonine 497 with alanine.
Molecular consequence: missense variant.
Genome position (GRCh38, 1-based): chr19:38,455,283, A>G. VCF-style: chr19-38455283-A-G. GRCh37 (hg19) VCF-style: chr19-38945923-A-G.
Other names: c.1489A>G, p.Thr497Ala (NM_001042723.2); short protein forms T497A.
Identifiers: ClinVar variation 3157334 (VCV003157334.2), dbSNP rs1243615940, ClinGen allele CA405688756.